The following is an entry in ClinVar:

ClinVar aggregate classification (germline): Uncertain significance (1 of 4 stars; one submission).

Conditions:
Argininosuccinate lyase deficiency. Also called: ARGININOSUCCINIC ACID LYASE DEFICIENCY; ASL DEFICIENCY; Argininosuccinic aciduria. Identifiers: Orphanet 23, MedGen C0268547, MONDO:0008815, OMIM 207900, HP:0025630.

Allele frequency attached by ClinVar (database versions not stated): ExAC 0.00001; gnomAD 0.00001; ESP Exome Variant Server 0.00008.
gnomAD v4.1: 38 of 1,613,878 alleles (0.0024%); highest among the groups gnomAD compares: South Asian, 0.0033%; no homozygotes.

Submission:

Labcorp Genetics (formerly Invitae), Labcorp
Classification: Uncertain significance for Argininosuccinate lyase deficiency. Last evaluated: 2021-08-27. Review status: criteria provided, single submitter. Criteria: Invitae Variant Classification Sherloc (09022015). Collection method: clinical testing. Allele origin: germline.
Comment: This sequence change replaces arginine with glutamine at codon 32 of the ASL protein (p.Arg32Gln). The arginine residue is moderately conserved and there is a small physicochemical difference between arginine and glutamine. This variant is present in population databases (rs149108910, ExAC 0.002%). This variant has not been reported in the literature in individuals affected with ASL-related conditions. Algorithms developed to predict the effect of missense changes on protein structure and function output the following: SIFT: "Tolerated"; PolyPhen-2: "Benign"; Align-GVGD: "Class C0". The glutamine amino acid residue is found in multiple mammalian species, which suggests that this missense change does not adversely affect protein function. Algorithms developed to predict the effect of sequence changes on RNA splicing suggest that this variant may create or strengthen a splice site. In summary, the available evidence is currently insufficient to determine the role of this variant in disease. Therefore, it has been classified as a Variant of Uncertain Significance.

NM_000048.4(ASL):c.95G>A (p.Arg32Gln)

Gene: ASL (argininosuccinate lyase; plus strand). Cytogenetic location: 7q11.21.
Variant type: single nucleotide variant.
Coding change: c.95G>A on transcript NM_000048.4 (MANE Select); coding-DNA position 95, G replaced by A.
Protein change: p.Arg32Gln; replaces arginine 32 with glutamine.
Molecular consequence: missense variant.
Genome position (GRCh38, 1-based): chr7:66,081,885, G>A. VCF-style: chr7-66081885-G-A. GRCh37 (hg19) VCF-style: chr7-65546872-G-A.
Other names: c.95G>A, p.Arg32Gln (NM_001024943.2, NM_001024944.2, NM_001024946.2); short protein forms R32Q.
Identifiers: ClinVar variation 1431210 (VCV001431210.5), dbSNP rs149108910, ClinGen allele CA4276828.